The following is an entry in ClinVar:

NM_001370259.2(MEN1):c.586G>A (p.Val196Ile)

Gene: MEN1 (menin 1; minus strand). Cytogenetic location: 11q13.1.
Variant type: single nucleotide variant.
Coding change: c.586G>A on transcript NM_001370259.2 (MANE Select); coding-DNA position 586, G replaced by A.
Protein change: p.Val196Ile; replaces valine 196 with isoleucine.
Molecular consequence: missense variant. On other transcripts: intron variant (2).
Genome position (GRCh38, 1-based): chr11:64,807,959, C>T on the plus strand (G>A on the coding strand, the complement: MEN1 is on the minus strand). VCF-style: chr11-64807959-C-T. GRCh37 (hg19) VCF-style: chr11-64575431-C-T.
Other names: c.601G>A, p.Val201Ile (NM_000244.4, NM_130800.3, NM_130801.3 and 3 more transcripts); c.586G>A, p.Val196Ile (NM_001370251.2, NM_001370260.2, NM_001370261.2 and 1 more transcripts); c.549+37G>A (NM_001370263.2, NM_001370262.2); short protein forms V201I, V196I.
Identifiers: ClinVar variation 1510077 (VCV001510077.6), dbSNP rs2136151708, ClinGen allele CA381185588.
Genomic context (GRCh38, chr11:64,807,959, plus strand): 5'-CCACACCGGCATTGACTGTCTGGCCCCTGCGGTCCTCGTTGCCCTTGCCGTGCCAGGTGA[C>T]CTCAGCTGTCTGCTCCCCATTGGGCCCAAACACTACCCAGGCATGATCCTCAGACAGGGC-3'
Protein context (NP_001357188.2, residues 186-206): FGPNGEQTAE[Val196Ile]TWHGKGNEDR

ClinVar aggregate classification (germline): Uncertain significance (1 of 4 stars; one submission).

Conditions:
Multiple endocrine neoplasia, type 1 (MEN1). Also called: Endocrine adenomatosis multiple; MEN 1; MEA I; MEN I; WERMER SYNDROME. Identifiers: Orphanet 652, MedGen C0025267, MeSH D018761, MONDO:0007540, OMIM 131100.

Submission:

Labcorp Genetics (formerly Invitae), Labcorp
Classification: Uncertain significance for Multiple endocrine neoplasia, type 1. Last evaluated: 2022-08-21. Review status: criteria provided, single submitter. Criteria: Invitae Variant Classification Sherloc (09022015). Collection method: clinical testing. Allele origin: germline.
Comment: This sequence change replaces valine, which is neutral and non-polar, with isoleucine, which is neutral and non-polar, at codon 196 of the MEN1 protein (p.Val196Ile). In summary, the available evidence is currently insufficient to determine the role of this variant in disease. Therefore, it has been classified as a Variant of Uncertain Significance. Advanced modeling of protein sequence and biophysical properties (such as structural, functional, and spatial information, amino acid conservation, physicochemical variation, residue mobility, and thermodynamic stability) performed at Invitae indicates that this missense variant is expected to disrupt MEN1 protein function. ClinVar contains an entry for this variant (Variation ID: 1510077). This variant has not been reported in the literature in individuals affected with MEN1-related conditions. This variant is not present in population databases (gnomAD no frequency).